The following is an entry in ClinVar:

NC_000012.11:g.(6204751_6219539)_(6220135_6230339)del

Gene: VWF (von Willebrand factor; minus strand). Cytogenetic location: 12p13.31.
Variant type: Deletion.
Identifiers: ClinVar variation 1696149 (VCV001696149.1).

ClinVar aggregate classification (germline): Pathogenic (1 of 4 stars; one submission).

Conditions:
Hereditary von Willebrand disease. Identifiers: Orphanet 903, MedGen C5703318, MONDO:0019565. Inheritance: Autosomal recessive or Autosomal dominant.

Submission:

Women's Health and Genetics/Laboratory Corporation of America, LabCorp
Classification: Pathogenic for von Willebrand disorder. Last evaluated: 2022-05-31. Review status: criteria provided, single submitter. Criteria: LabCorp Variant Classification Summary - May 2015. Collection method: clinical testing. Allele origin: germline.
Comment: Variant summary: The variant identified by MLPA or other technology involves the deletion of exons 4-5 in the VWF gene. A presumed nomenclature of c.(220+1_221-1)_(532+1_533-1)del has been designated for the purposes of this classification. Although exact breakpoints of this deletion are not known, it is expected to result in a large in-frame deletion change in the VWF gene, a known mechanism of disease. The variant was absent in 21680 control chromosomes (gnomAD, Structural Variants dataset). Deletion of exons 4-5 has been reported in the literature in multiple individuals affected with Von Willebrand Disease (e.g. Sutherland_2009, Bowman_2013, Cartwright_2020). These data indicate that the variant is very likely to be associated with disease. Experimental evidence evaluating an impact on protein function demonstrated the variant results in markedly decreased secretion of VWF and interferes with the multimerization process (Sutherland_2009). Two ClinVar submitters (evaluation after 2014) cite the variant as pathogenic. Based on the evidence outlined above, the variant was classified as pathogenic.

Literature cited by the submitters: PubMed 23311757; PubMed 32609846; PubMed 19372260.